The following is an entry in ClinVar:

NM_000051.4(ATM):c.8122G>A (p.Asp2708Asn)

Genes: ATM (ATM serine/threonine kinase; plus strand), C11orf65 (chromosome 11 open reading frame 65; minus strand). Cytogenetic location: 11q22.3.
Variant type: single nucleotide variant.
Coding change: c.8122G>A on transcript NM_000051.4 (MANE Select); coding-DNA position 8122, G replaced by A.
Protein change: p.Asp2708Asn; replaces aspartic acid 2708 with asparagine.
Molecular consequence: missense variant. On other transcripts: intron variant (2).
Genome position (GRCh38, 1-based): chr11:108,335,080, G>A. VCF-style: chr11-108335080-G-A. GRCh37 (hg19) VCF-style: chr11-108205807-G-A.
Other names: c.8122G>A, p.Asp2708Asn (NM_001351834.2); c.641-26009C>T (NM_001330368.2); c.*38+140C>T (NM_001351110.2); short protein forms D2708N.
Identifiers: ClinVar variation 142791 (VCV000142791.57), dbSNP rs587782719, ClinGen allele CA169419.
Genomic context (GRCh38, chr11:108,335,080, plus strand): 5'-GCAGAATTTCGCTTAGCAGGAGGTGTAAATTTACCAAAAATAATAGATTGTGTAGGTTCC[G>A]ATGGCAAGGAGAGGAGACAGCTTGTTAAGGTGAGCCTTCCCTTCTCTGGCTTAGCCCTTA-3'
Protein context (NP_000042.3, residues 2698-2718): LPKIIDCVGS[Asp2708Asn]GKERRQLVKG

ClinVar aggregate classification (germline): Pathogenic/Likely pathogenic. Review status: criteria provided, multiple submitters, no conflicts (2 of 4 stars). 24 submissions from 24 submitters: Pathogenic (12); Likely pathogenic (10). 2 of the submissions do not count toward it. Last evaluated 2026-03-09.

Conditions:
ATM-related cancer predisposition. Also called: ATM-related cancer susceptibility. Identifiers: MedGen CN377759, MONDO:0700270.
ATM-related disorder. Also called: ATM-related disorders; ATM-related condition.
Gastric cancer. Also called: Stomach cancer; Malignant tumor of stomach. Identifiers: MedGen C0024623, MeSH D013274, MONDO:0001056, OMIM 613659, HP:0012126.
Hereditary cancer-predisposing syndrome. Also called: Neoplastic Syndromes, Hereditary; Hereditary Cancer Syndrome; Tumor predisposition; Hereditary neoplastic syndrome. Identifiers: Orphanet 140162, MedGen C0027672, MeSH D009386, MONDO:0015356.
Familial prostate cancer. Also called: Hereditary Prostate Cancer. Identifiers: MedGen C2931456, MONDO:0700275, OMIM 176807.
Breast and/or ovarian cancer. Identifiers: MedGen CN221562.
Familial cancer of breast. Also called: BREAST CANCER, FAMILIAL; hereditary breast carcinoma; Hereditary breast cancer. Identifiers: Orphanet 227535, MedGen C0346153, MONDO:0016419, OMIM 114480. Disease mechanism: loss of function.
Ataxia-telangiectasia syndrome (AT). Also called: Ataxia-telangiectasia, complementation group D; AT, COMPLEMENTATION GROUP C; Ataxia-telangiectasia; ATAXIA-TELANGIECTASIA, COMPLEMENTATION GROUP A; ATAXIA-TELANGIECTASIA, FRESNO VARIANT; Ataxia-telangiectasia, complementation group E. Identifiers: Orphanet 100, MedGen C0004135, MONDO:0008840, OMIM 208900.
Hereditary breast ovarian cancer syndrome. Also called: BRCA1- and BRCA2-Associated Hereditary Breast and Ovarian Cancer; Hereditary breast and ovarian cancer syndrome; Hereditary breast and ovarian cancer syndrome (HBOC); Hereditary breast and/or ovarian cancer syndrome; Hereditary breast and ovarian cancer; Breast and ovarian cancer. Identifiers: Orphanet 145, MedGen C0677776, MeSH D061325, MONDO:0003582. Disease mechanism: loss of function.

Allele frequency attached by ClinVar (database versions not stated): gnomAD exomes below 0.00001; gnomAD 0.00001 and below 0.00001.
gnomAD v4.1: 14 of 1,613,996 alleles (0.00087%); highest among the groups gnomAD compares: East Asian, 0.0045%; no homozygotes.

Submissions 1 to 8 of 24:

PreventionGenetics, part of Exact Sciences
Classification: Pathogenic for ATM-related condition. Last evaluated: 2026-03-09. Review status: criteria provided, single submitter. Criteria: ACMG Guidelines, 2015. Collection method: clinical testing. Allele origin: germline.
Comment: The ATM c.8122G>A variant is predicted to result in the amino acid substitution p.Asp2708Asn. This variant has been reported in the compound heterozygous state in patients with ataxia telangiectasia (see for example: Cavalieri et al. 2006. PubMed ID: 16941484; Jacquemin et al. 2011. PubMed ID: 22071889; Magliozzi et al. 2006. PubMed ID: 17124347). This variant was reported in the germline of a patient with multiple primary tumors, however the tumor tissue analyzed from this individual did not retain the variant, possibly suggesting a reversion event (Whitworth et al. 2018. PubMed ID: 29909963). In addition, this germline variant has been reported in individuals that developed various tumors, such as T-cell prolymphocytic leukemia (Table S4, Reiman et al. 2011. PubMed ID: 21792198) and bilateral breast and ovarian cancer (Tavera-Tapia et al. 2016. PubMed ID: 27913932). This variant has been reported in the ClinVar database as pathogenic/likely pathogenic (Variation ID: 142791). Taken together, we interpret this variant as pathogenic.

Natera, Inc.
Classification: Pathogenic for Ataxia-telangiectasia. Last evaluated: 2026-01-20. Review status: criteria provided, single submitter. Criteria: Natera Variant Classification Schema (03/2026). Collection method: clinical testing. Allele origin: germline.
Comment: The c.8122G>A variant in ATM is a missense variant predicted to cause substitution of aspartic acid to asparagine at amino acid 2708. This variant is rare in the general population with a frequency below the threshold expected for the associated phenotype(s). This variant has been observed in one or more individuals affected with the associated recessive disease, as either homozygous or compound heterozygous with a second variant (PMID: 23454770). Given the available evidence, this variant is classified as Pathogenic.

German Consortium for Hereditary Breast and Ovarian Cancer, University Hospital Cologne
Classification: Pathogenic for Hereditary breast ovarian cancer syndrome. Last evaluated: 2026-01-13. Review status: criteria provided, single submitter. Criteria: ClinGen ATM V1.4.0. Collection method: curation. Allele origin: germline.
Comment: This classification follows the ClinGen ACMG ATM v1.4.0 classification scheme; We chose these criteria: PS3 (medium pathogenic): Andreassen (2025): damaging Barone (2009; PMID: 19431188) Reduced kinase activity, PM2 (supporting pathogenic): gnomADv4: MAF: 0.0008674%, PM3 (very strong pathogenic): Found in compound het stat in multiple individuals with AT and at least 2 in trans, PMID 16941484, 17124347, 17910737, 19431188, 21665257, 21792198, 22071889, 23632773, 25122203

Center for Genomic Medicine, Rigshospitalet, Copenhagen University Hospital
Classification: Likely pathogenic. Last evaluated: 2025-12-29. Review status: criteria provided, single submitter. Criteria: ACMG Guidelines, 2015. Collection method: clinical testing. Allele origin: germline.
Comment: Classification criteria: PM2_supporting, PS3_supporting, PM3_strong

Institute of Human Genetics, University of Leipzig Medical Center
Classification: Pathogenic for Familial cancer of breast. Last evaluated: 2025-12-08. Review status: criteria provided, single submitter. Criteria: ACMG Guidelines, 2015. Collection method: clinical testing. Allele origin: unknown. Inheritance: Autosomal dominant inheritance. Affected: yes.
Comment: Criteria applied: PM3_VSTR,PS3_MOD,PM2_SUP

Ambry Genetics
Classification: Pathogenic for Hereditary cancer-predisposing syndrome. Last evaluated: 2025-10-29. Review status: criteria provided, single submitter. Criteria: Ambry Variant Classification Scheme 2023. Collection method: clinical testing. Allele origin: germline.
Comment: The p.D2708N pathogenic mutation (also known as c.8122G>A), located in coding exon 54 of the ATM gene, results from a G to A substitution at nucleotide position 8122. The aspartic acid at codon 2708 is replaced by asparagine, an amino acid with highly similar properties. This alteration has been reported in conjunction with other pathogenic ATM mutations (phase confirmed in two cases) in several individuals with classic and variant ataxia telangiectasia (AT) (Micol R et al. J. Allergy Clin. Immunol. 2011;128(2):382-9; Claes K et al. Neuromolecular Med. 2013;15(3):447-57; Cavalieri S et al. Ann. Hum. Genet. 2008;72(Pt 1):10-8; Magliozzi M et al. Dis. Markers 2006; 22(4):257-64). In two studies, this alteration was shown to demonstrate a significant reduction in ATM protein expression and kinase activity, as well as mislocalization of the protein (Jacquemin V et al. Eur. J. Hum. Genet. 2012;20(3):305-12; Barone G et al. Hum. Mutat. 2009;30(8):1222-30). In addition, a disease-causing mutation, p.D2708E, has been described at the same codon (Heinrich T et al. Eur. J. Pediatr. 2006; 165:250-7; Bisgin A et al. Biomed Res Int 2018 May;2018:9647253, Micol R et al. J. Allergy Clin. Immunol. 2011 Aug;128(2):382-9.e1; Jacquemin V et al. Eur. J. Hum. Genet. 2012; 20:305-12.). This amino acid position is highly conserved in available vertebrate species. This variant is considered to be rare based on population cohorts in the Genome Aggregation Database (gnomAD). In addition, the in silico prediction for this alteration is inconclusive. Based on the supporting evidence, this alteration is interpreted as a disease-causing mutation.

Labcorp Genetics (formerly Invitae), Labcorp
Classification: Pathogenic for Ataxia-telangiectasia syndrome. Last evaluated: 2025-10-09. Review status: criteria provided, single submitter. Criteria: Invitae Variant Classification Sherloc (09022015). Collection method: clinical testing. Allele origin: germline.
Comment: This sequence change replaces aspartic acid, which is acidic and polar, with asparagine, which is neutral and polar, at codon 2708 of the ATM protein (p.Asp2708Asn). This variant is present in population databases (rs587782719, gnomAD 0.003%). This missense change has been observed in individuals with ataxia telangiectasia (A-T) and/or cancer (PMID: 16941484, 21665257, 21792198, 22071889, 23454770, 23632773, 27913932, 29909963). ClinVar contains an entry for this variant (Variation ID: 142791). Invitae Evidence Modeling of protein sequence and biophysical properties (such as structural, functional, and spatial information, amino acid conservation, physicochemical variation, residue mobility, and thermodynamic stability) has been performed for this missense variant. However, the output from this modeling did not meet the statistical confidence thresholds required to predict the impact of this variant on ATM protein function. Experimental studies have shown that this missense change affects ATM function (PMID: 19431188, 22071889, 23454770, 23632773). For these reasons, this variant has been classified as Pathogenic.

Department of Clinical Genetics, Copenhagen University Hospital, Rigshospitalet
Classification: Likely pathogenic for Familial cancer of breast; Ataxia-telangiectasia syndrome. Last evaluated: 2025-09-18. Review status: criteria provided, single submitter. Criteria: ACMG Guidelines, 2015. Collection method: clinical testing. Allele origin: germline.
Comment: The following ACMG criteria has been used: PM3_Very_strong (8 points); PS3_SUP